The following is an entry in ClinVar:

NM_138694.4(PKHD1):c.10528T>C (p.Leu3510=)

Gene: PKHD1 (PKHD1 ciliary IPT domain containing fibrocystin/polyductin; minus strand). Cytogenetic location: 6p12.3.
Variant type: single nucleotide variant.
Coding change: c.10528T>C on transcript NM_138694.4 (MANE Select); coding-DNA position 10528, T replaced by C.
Protein change: p.Leu3510=; no amino-acid change (leucine 3510 retained).
Molecular consequence: synonymous variant.
Genome position (GRCh38, 1-based): chr6:51,659,598, A>G on the plus strand (T>C on the coding strand, the complement: PKHD1 is on the minus strand). VCF-style: chr6-51659598-A-G. GRCh37 (hg19) VCF-style: chr6-51524396-A-G.
Identifiers: ClinVar variation 3030211 (VCV003030211.2), dbSNP rs2533446928, ClinGen allele CA450613158.

ClinVar aggregate classification (germline): Likely benign (0 of 4 stars; one submission).

Conditions:
PKHD1-related disorder. Also called: PKHD1-related condition.

Submission:

PreventionGenetics, part of Exact Sciences
Classification: Likely benign for PKHD1-related condition. Last evaluated: 2023-12-22. Review status: no assertion criteria provided. Collection method: clinical testing. Allele origin: germline.
Comment: This variant is classified as likely benign based on ACMG/AMP sequence variant interpretation guidelines (Richards et al. 2015 PMID: 25741868, with internal and published modifications).